The following is an entry in ClinVar:

ClinVar aggregate classification (germline): Uncertain significance (1 of 4 stars; one submission).

Conditions:
Hereditary cancer-predisposing syndrome. Also called: Hereditary Cancer Syndrome; Tumor predisposition; Neoplastic Syndromes, Hereditary; Hereditary neoplastic syndrome. Identifiers: Orphanet 140162, MedGen C0027672, MeSH D009386, MONDO:0015356.

Submission:

Ambry Genetics
Classification: Uncertain significance for Hereditary cancer-predisposing syndrome. Last evaluated: 2026-02-03. Review status: criteria provided, single submitter. Criteria: Ambry Variant Classification Scheme 2023. Collection method: clinical testing. Allele origin: germline.
Comment: The c.645+4A>G intronic variant results from an A to G substitution 4 nucleotides after coding exon 5 in the APC gene. This nucleotide position is well conserved in available vertebrate species. In silico splice site analysis predicts that this alteration will not have any significant effect on splicing. Based on the available evidence, the clinical significance of this variant remains unclear.

NM_000038.6(APC):c.645+4A>G

Gene: APC (APC regulator of Wnt signaling pathway; plus strand). Cytogenetic location: 5q22.2.
Variant type: single nucleotide variant.
Coding change: c.645+4A>G on transcript NM_000038.6 (MANE Select); 4 bases into the intron after coding-DNA position 645, A replaced by G.
Molecular consequence: intron variant.
Genome position (GRCh38, 1-based): chr5:112,780,907, A>G. VCF-style: chr5-112780907-A-G. GRCh37 (hg19) VCF-style: chr5-112116604-A-G.
Other names: c.645+4A>G (NM_001354895.2, NM_001127510.3, NM_001354896.2 and 2 more transcripts); c.675+4A>G (NM_001354897.2, NM_001354902.2, NM_001127511.3); c.570+4A>G (NM_001354898.2, NM_001354904.2); c.-391+4A>G (NM_001354906.2); c.468+4A>G (NM_001354900.2, NM_001354901.2, NM_001354905.2).
Identifiers: ClinVar variation 826414 (VCV000826414.5), dbSNP rs1580380551, ClinGen allele CA913188182.